The following is an entry in ClinVar:

NM_001365480.1(CCDC88A):c.4470G>A (p.Met1490Ile)

Gene: CCDC88A (coiled-coil and HOOK domain protein 88A; minus strand). Cytogenetic location: 2p16.1.
Variant type: single nucleotide variant.
Coding change: c.4470G>A on transcript NM_001365480.1 (MANE Select); coding-DNA position 4470, G replaced by A.
Protein change: p.Met1490Ile; replaces methionine 1490 with isoleucine.
Molecular consequence: missense variant. On other transcripts: intron variant (1).
Genome position (GRCh38, 1-based): chr2:55,303,070, C>T on the plus strand (G>A on the coding strand, the complement: CCDC88A is on the minus strand). VCF-style: chr2-55303070-C-T. GRCh37 (hg19) VCF-style: chr2-55530206-C-T.
Other names: c.4467G>A, p.Met1489Ile (NM_001135597.2, NM_001254943.2); c.4388-998G>A (NM_018084.5); short protein forms M1490I, M1489I.
Identifiers: ClinVar variation 2100057 (VCV002100057.4), dbSNP rs374371106, ClinGen allele CA1665579.

ClinVar aggregate classification (germline): Uncertain significance (1 of 4 stars; one submission).

Allele frequency attached by ClinVar (database versions not stated): TOPMed below 0.00001; gnomAD 0.00001; ExAC 0.00004; ESP Exome Variant Server 0.00022.

Submission:

Labcorp Genetics (formerly Invitae), Labcorp
Classification: Uncertain significance. Last evaluated: 2022-02-20. Review status: criteria provided, single submitter. Criteria: Invitae Variant Classification Sherloc (09022015). Collection method: clinical testing. Allele origin: germline.
Comment: In summary, the available evidence is currently insufficient to determine the role of this variant in disease. Therefore, it has been classified as a Variant of Uncertain Significance. Algorithms developed to predict the effect of missense changes on protein structure and function are either unavailable or do not agree on the potential impact of this missense change (SIFT: "Deleterious"; PolyPhen-2: "Benign"; Align-GVGD: "Class C0"). This variant has not been reported in the literature in individuals affected with CCDC88A-related conditions. This variant is present in population databases (rs374371106, gnomAD 0.01%). This sequence change replaces methionine, which is neutral and non-polar, with isoleucine, which is neutral and non-polar, at codon 1489 of the CCDC88A protein (p.Met1489Ile).